The following is an entry in ClinVar:

ClinVar aggregate classification (germline): Benign. Review status: criteria provided, multiple submitters, no conflicts (2 of 4 stars). 3 submissions from 3 submitters: Benign (3). Last evaluated 2026-01-31.

Conditions:
Autosomal recessive congenital ichthyosis 5 (ARCI5). Also called: ICHTHYOSIS CONGENITA III; Ichthyosis, nonlamellar and nonerythrodermic, congenital, autosomal recessive. Identifiers: Orphanet 313, MedGen C1858133, MONDO:0011485, OMIM 604777.

Allele frequency attached by ClinVar (database versions not stated): gnomAD exomes 0.00150; ExAC 0.00195; ESP Exome Variant Server 0.00561; gnomAD 0.00614 and 0.00647; TOPMed 0.00630; 1000 Genomes Project 30x 0.00828; 1000 Genomes Project 0.00859.
gnomAD v4.1: 1,868 of 1,614,162 alleles (0.12%); highest among the groups gnomAD compares: African/African-American, 2.1%; 14 homozygotes.

Submissions (3):

Labcorp Genetics (formerly Invitae), Labcorp
Classification: Benign. Last evaluated: 2026-01-31. Review status: criteria provided, single submitter. Criteria: Invitae Variant Classification Sherloc (09022015). Collection method: clinical testing. Allele origin: germline.

Illumina Laboratory Services, Illumina
Classification: Benign for Autosomal recessive congenital ichthyosis 5. Last evaluated: 2017-04-27. Review status: criteria provided, single submitter. Criteria: ICSL Variant Classification Criteria 13 December 2019. Collection method: clinical testing. Allele origin: germline.
Comment: This variant was observed as part of a predisposition screen in an ostensibly healthy population. A literature search was performed for the gene, cDNA change, and amino acid change (where applicable). No publications were found based on this search. Allele frequency data from public databases was too high to be consistent with this variant causing disease. Therefore, this variant is classified as benign.

Breakthrough Genomics
Classification: Benign. Review status: criteria provided, single submitter. Criteria: ACMG Guidelines, 2015. Collection method: not provided. Allele origin: germline. Inheritance: Autosomal recessive inheritance. Affected: yes.

NM_173483.4(CYP4F22):c.587C>G (p.Ser196Cys)

Gene: CYP4F22 (cytochrome P450 family 4 subfamily F member 22; plus strand). Cytogenetic location: 19p13.12.
Variant type: single nucleotide variant.
Coding change: c.587C>G on transcript NM_173483.4 (MANE Select); coding-DNA position 587, C replaced by G.
Protein change: p.Ser196Cys; replaces serine 196 with cysteine.
Molecular consequence: missense variant.
Genome position (GRCh38, 1-based): chr19:15,537,909, C>G. VCF-style: chr19-15537909-C-G. GRCh37 (hg19) VCF-style: chr19-15648720-C-G.
Other names: short protein forms S196C.
Identifiers: ClinVar variation 786352 (VCV000786352.14), dbSNP rs79603814, ClinGen allele CA9269639.